The following is an entry in ClinVar:

ClinVar aggregate classification (germline): Pathogenic (1 of 4 stars; one submission).

Conditions:
Multiple endocrine neoplasia, type 1 (MEN1). Also called: MEN I; WERMER SYNDROME; Endocrine adenomatosis multiple; MEN 1; MEA I. Identifiers: Orphanet 652, MedGen C0025267, MeSH D018761, MONDO:0007540, OMIM 131100.

Submission:

Labcorp Genetics (formerly Invitae), Labcorp
Classification: Pathogenic for Multiple endocrine neoplasia, type 1. Last evaluated: 2023-04-07. Review status: criteria provided, single submitter. Criteria: Invitae Variant Classification Sherloc (09022015). Collection method: clinical testing. Allele origin: germline.
Comment: For these reasons, this variant has been classified as Pathogenic. This variant has not been reported in the literature in individuals affected with MEN1-related conditions. This variant is not present in population databases (gnomAD no frequency). This sequence change creates a premature translational stop signal (p.Asp136Alafs*41) in the MEN1 gene. It is expected to result in an absent or disrupted protein product. Loss-of-function variants in MEN1 are known to be pathogenic (PMID: 12112656, 17853334).

Literature cited by the submitters: PubMed 12112656; PubMed 17853334.

NM_001370259.2(MEN1):c.407_414del (p.Asp136fs)

Gene: MEN1 (menin 1; minus strand). Cytogenetic location: 11q13.1.
Variant type: Deletion.
Coding change: c.407_414del on transcript NM_001370259.2 (MANE Select); coding-DNA positions 407 to 414, 8 bases deleted (ATCGGGCC; older notation c.407_414delATCGGGCC).
Protein change: p.Asp136fs; shifts the reading frame from aspartic acid 136.
Molecular consequence: frameshift variant. On other transcripts: non-coding transcript variant (4).
Genome position (GRCh38, 1-based): chr11:64,809,696-64,809,703, GGCCCGAT deleted on the plus strand (ATCGGGCC on the coding strand, the reverse complement: MEN1 is on the minus strand). VCF-style (leftmost placement, unchanged base first): chr11-64809695-GGGCCCGAT-G. GRCh37 (hg19) VCF-style: chr11-64577167-GGGCCCGAT-G.
Other names: c.407_414del, p.Asp136fs (NM_000244.4, NM_001370251.2, NM_001370260.2 and 20 more transcripts); short protein forms D136fs.
Identifiers: ClinVar variation 2853265 (VCV002853265.3), dbSNP rs2497258056, ClinGen allele CA2739270485.
Genomic context (GRCh38, chr11:64,809,695, plus strand): 5'-GGATAAGATTCCCACCTACTGGGCTCCAACCTGTGATGAAGCTGAAGAGGGACTGGATGT[GGGCCCGAT>G]CCTTGAAGTAGGAGCGGCTGAGGCTGTTCCATATGACATCGGAGACCTTCTTCACCAGCT-3'